The following is an entry in ClinVar:

ClinVar aggregate classification (germline): Likely benign. Review status: criteria provided, multiple submitters, no conflicts (2 of 4 stars). 3 submissions from 3 submitters: Likely benign (3). Last evaluated 2024-10-03.

Conditions:
Familial cancer of breast. Also called: Hereditary breast cancer; hereditary breast carcinoma; BREAST CANCER, FAMILIAL. Identifiers: Orphanet 227535, MedGen C0346153, MONDO:0016419, OMIM 114480. Disease mechanism: loss of function.
Hereditary cancer-predisposing syndrome. Also called: Hereditary neoplastic syndrome; Tumor predisposition; Hereditary Cancer Syndrome; Neoplastic Syndromes, Hereditary. Identifiers: Orphanet 140162, MedGen C0027672, MeSH D009386, MONDO:0015356.

Submissions (3):

Myriad Genetics, Inc.
Classification: Likely benign for Familial cancer of breast. Last evaluated: 2024-10-03. Review status: criteria provided, single submitter. Criteria: Myriad Autosomal Dominant, Autosomal Recessive and X-Linked Classification Criteria (2023). Collection method: clinical testing. Allele origin: unknown.
Comment: This variant is considered likely benign. This variant is intronic and is not expected to impact mRNA splicing.

Labcorp Genetics (formerly Invitae), Labcorp
Classification: Likely benign for Familial cancer of breast. Last evaluated: 2024-01-25. Review status: criteria provided, single submitter. Criteria: Invitae Variant Classification Sherloc (09022015). Collection method: clinical testing. Allele origin: germline.

Color Diagnostics, LLC DBA Color Health
Classification: Likely benign for Hereditary cancer-predisposing syndrome. Last evaluated: 2017-03-27. Review status: criteria provided, single submitter. Criteria: ACMG Guidelines, 2015. Collection method: clinical testing. Allele origin: germline.

NM_007194.4(CHEK2):c.793-12T>C

Gene: CHEK2 (checkpoint kinase 2; minus strand). Cytogenetic location: 22q12.1.
Variant type: single nucleotide variant.
Coding change: c.793-12T>C on transcript NM_007194.4 (MANE Select); 12 bases into the intron before coding-DNA position 793, T replaced by C.
Molecular consequence: intron variant.
Genome position (GRCh38, 1-based): chr22:28,710,071, A>G on the plus strand (T>C on the coding strand, the complement: CHEK2 is on the minus strand). VCF-style: chr22-28710071-A-G. GRCh37 (hg19) VCF-style: chr22-29106059-A-G.
Other names: c.130-12T>C (NM_001437942.1, NM_001257387.3); c.592-12T>C (NM_001349956.3); c.793-12T>C (NM_145862.3); c.886-12T>C (NM_001438295.1, NM_001438293.1); c.922-12T>C (NM_001438294.1, NM_001005735.3).
Identifiers: ClinVar variation 491640 (VCV000491640.7), dbSNP rs1555920271, ClinGen allele CA658684252.